The following is an entry in ClinVar:

ClinVar aggregate classification (germline): Benign. Review status: criteria provided, multiple submitters, no conflicts (2 of 4 stars). 8 submissions from 8 submitters: Benign (7). 1 of the submissions does not count toward it. Last evaluated 2026-04-14.

Conditions:
Familial intrahepatic cholestasis. Identifiers: Orphanet 284385, MedGen CN296401, MONDO:0017290.
Progressive familial intrahepatic cholestasis type 2. Identifiers: Orphanet 79304, MedGen C3489789, MONDO:0011156, OMIM 601847.

Allele frequency attached by ClinVar (database versions not stated): ESP Exome Variant Server 0.00168; gnomAD 0.01118 and 0.01492; TOPMed 0.01958; ExAC 0.03037; gnomAD exomes 0.03220; 1000 Genomes Project 30x 0.05700; 1000 Genomes Project 0.06310.
gnomAD v4.1: 19,097 of 1,613,040 alleles (1.2%); highest among the groups gnomAD compares: East Asian, 28%; 2,038 homozygotes.

Submissions (8):

Genomenon, Inc
Classification: Benign for Familial intrahepatic cholestasis. Last evaluated: 2026-04-14. Review status: criteria provided, single submitter. Criteria: Genomenon Sequence Variant Interpretation Standards - Updated. Collection method: curation. Allele origin: germline. Affected: no.
Comment: ABCB11 c.108T>C is a synonymous variant that retains Aspartic acid at residue 36. This variant is present at high allele frequency in population databases. In conclusion, we classify ABCB11 p.Asp36= (c.108T>C) as a benign variant.

Labcorp Genetics (formerly Invitae), Labcorp
Classification: Benign. Last evaluated: 2026-02-04. Review status: criteria provided, single submitter. Criteria: Invitae Variant Classification Sherloc (09022015). Collection method: clinical testing. Allele origin: germline.

Mayo Clinic Laboratories, Mayo Clinic
Classification: Benign. Last evaluated: 2022-03-10. Review status: criteria provided, single submitter. Criteria: ACMG Guidelines, 2015. Collection method: clinical testing. Allele origin: germline. Observed: 33 variant alleles.

Illumina Laboratory Services, Illumina
Classification: Benign for Progressive familial intrahepatic cholestasis type 2. Last evaluated: 2018-01-13. Review status: criteria provided, single submitter. Criteria: ICSL Variant Classification Criteria 13 December 2019. Collection method: clinical testing. Allele origin: germline.
Comment: This variant was observed in the ICSL laboratory as part of a predisposition screen in an ostensibly healthy population. It had not been previously curated by ICSL or reported in the Human Gene Mutation Database (HGMD: prior to June 1st, 2018), and was therefore a candidate for classification through an automated scoring system. Utilizing variant allele frequency, disease prevalence and penetrance estimates, and inheritance mode, an automated score was calculated to assess if this variant is too frequent to cause the disease. Based on the score and internal cut-off values, a variant classified as benign is not then subjected to further curation. The score for this variant resulted in a classification of benign for this disease.

GeneDx
Classification: Benign. Last evaluated: 2016-03-29. Review status: criteria provided, single submitter. Criteria: GeneDx Variant Classification (06012015). Collection method: clinical testing. Allele origin: germline. Affected: yes.
Comment: This variant is considered likely benign or benign based on one or more of the following criteria: it is a conservative change, it occurs at a poorly conserved position in the protein, it is predicted to be benign by multiple in silico algorithms, and/or has population frequency not consistent with disease.

Breakthrough Genomics
Classification: Benign. Review status: criteria provided, single submitter. Criteria: ACMG Guidelines, 2015. Collection method: not provided. Allele origin: germline. Inheritance: Autosomal recessive inheritance. Affected: yes.

PreventionGenetics, part of Exact Sciences
Classification: Benign. Review status: criteria provided, single submitter. Criteria: ACMG Guidelines, 2015. Collection method: clinical testing. Allele origin: germline.

Natera, Inc.
Classification: Benign for Progressive familial intrahepatic cholestasis type 2. Last evaluated: 2020-09-16. Review status: no assertion criteria provided. Collection method: clinical testing. Allele origin: germline. Not counted in ClinVar's aggregate classification.

NM_003742.4(ABCB11):c.108T>C (p.Asp36=)

Gene: ABCB11 (ATP binding cassette subfamily B member 11; minus strand). Cytogenetic location: 2q31.1.
Variant type: single nucleotide variant.
Coding change: c.108T>C on transcript NM_003742.4 (MANE Select); coding-DNA position 108, T replaced by C.
Protein change: p.Asp36=; no amino-acid change (aspartic acid 36 retained).
Molecular consequence: synonymous variant.
Genome position (GRCh38, 1-based): chr2:169,014,345, A>G on the plus strand (T>C on the coding strand, the complement: ABCB11 is on the minus strand). VCF-style: chr2-169014345-A-G. GRCh37 (hg19) VCF-style: chr2-169870855-A-G.
Other names: p.Asp36=; c.108T>C, p.Asp36= (LRG_1199t1).
Identifiers: ClinVar variation 259143 (VCV000259143.18), dbSNP rs3815675, ClinGen allele CA1951979.
Genomic context (GRCh38, chr2:169,014,345, plus strand): 5'-TCAACACAGTTTTATTACCAATTGAAAGAAGCCAACTCTAACGCCATCACCTTTCTTCTC[A>G]TCTTGTAACCTGATGAGAAAAACATAAGGATTTAAAGACCACCCTTTCCAATACAATGGG-3'
Protein context (NP_003733.2, residues 26-46): YNNDKKSRLQ[Asp36=]EKKGDGVRVG